The following is an entry in ClinVar:

NM_001042492.3(NF1):c.2674del (p.Ser892fs)

Gene: NF1 (neurofibromin 1; plus strand). Cytogenetic location: 17q11.2.
Variant type: Deletion.
Coding change: c.2674del on transcript NM_001042492.3 (MANE Select); coding-DNA position 2674, one base deleted (A; older notation c.2674delA).
Protein change: p.Ser892fs; shifts the reading frame from serine 892.
Molecular consequence: frameshift variant.
Genome position (GRCh38, 1-based): chr17:31,229,289, A deleted. VCF-style (leftmost placement, unchanged base first): chr17-31229288-CA-C. GRCh37 (hg19) VCF-style: chr17-29556306-CA-C.
Other names: c.2674delA (NM_000267.3); c.2674delA, p.Ser892Alafs (NM_000267.4); short protein forms S892fs.
Identifiers: ClinVar variation 481923 (VCV000481923.27), dbSNP rs1555614296, ClinGen allele CA658656623.

ClinVar aggregate classification (germline): Pathogenic. Review status: criteria provided, multiple submitters, no conflicts (2 of 4 stars). 8 submissions from 8 submitters: Pathogenic (7). 1 of the submissions does not count toward it. Last evaluated 2025-09-25.

Conditions:
NF1-related disorder. Also called: NF1-related condition. Identifiers: MedGen CN379171.
Cardiovascular phenotype. Identifiers: MedGen CN230736.
Hereditary cancer-predisposing syndrome. Also called: Hereditary neoplastic syndrome; Neoplastic Syndromes, Hereditary; Tumor predisposition; Hereditary Cancer Syndrome. Identifiers: Orphanet 140162, MedGen C0027672, MeSH D009386, MONDO:0015356.
Neurofibromatosis, type 1 (NF1). Also called: VON RECKLINGHAUSEN DISEASE; Peripheral type neurofibromatosis; NEUROFIBROMATOSIS, TYPE I, SOMATIC; Neurofibromatosis, type I. Identifiers: Orphanet 636, MedGen C0027831, MONDO:0018975, OMIM 162200. Disease mechanism: loss of function.

Allele frequency attached by ClinVar (database versions not stated): gnomAD exomes below 0.00001.

Submissions (8):

Labcorp Genetics (formerly Invitae), Labcorp
Classification: Pathogenic for Neurofibromatosis, type 1. Last evaluated: 2025-09-25. Review status: criteria provided, single submitter. Criteria: Invitae Variant Classification Sherloc (09022015). Collection method: clinical testing. Allele origin: germline.
Comment: This sequence change creates a premature translational stop signal (p.Ser892Alafs*10) in the NF1 gene. It is expected to result in an absent or disrupted protein product. Loss-of-function variants in NF1 are known to be pathogenic (PMID: 10712197, 23913538). This variant is not present in population databases (gnomAD no frequency). This premature translational stop signal has been observed in individual(s) with neurofibromatosis type 1 (PMID: 10712197, 12112660, 21354044). Invitae Evidence Modeling of clinical and family history, age, sex, and reported ancestry of multiple individuals with this NF1 variant has been performed. This variant is expected to be pathogenic with a positive predictive value of at least 99%. This is a validated machine learning model that incorporates the clinical features of 1,785,918 individuals referred to our laboratory for NF1 testing. ClinVar contains an entry for this variant (Variation ID: 481923). For these reasons, this variant has been classified as Pathogenic.

Ambry Genetics
Classification: Pathogenic for Cardiovascular phenotype; Hereditary cancer-predisposing syndrome. Last evaluated: 2025-04-17. Review status: criteria provided, single submitter. Criteria: Ambry Variant Classification Scheme 2023. Collection method: clinical testing. Allele origin: germline.
Comment: The c.2674delA pathogenic mutation, located in coding exon 21 of the NF1 gene, results from a deletion of one nucleotide at position 2674, causing a translational frameshift with a predicted alternate stop codon (p.S892Afs*10). This variant was reported in individuals with features consistent with neurofibromatosis type 1 (Fahsold R et al. Am. J. Hum. Genet. 2000 Mar; 66(3):790-818; Origone P et al. Hum. Mutat. 2003 Aug; 22(2):179-80; Valero MC et al. J Mol Diagn 2011 Mar; 13(2):113-22). In addition to the clinical data presented in the literature, this alteration is expected to result in loss of function by premature protein truncation or nonsense-mediated mRNA decay. As such, this alteration is interpreted as a disease-causing mutation.

GeneDx
Classification: Pathogenic. Last evaluated: 2023-05-31. Review status: criteria provided, single submitter. Criteria: GeneDx Variant Classification Process June 2021. Collection method: clinical testing. Allele origin: germline. Affected: yes.
Comment: Frameshift variant predicted to result in protein truncation or nonsense mediated decay in a gene for which loss-of-function is a known mechanism of disease; Not observed at significant frequency in large population cohorts (gnomAD); This variant is associated with the following publications: (PMID: 12872266, 23913538, 21354044, 12112660, 10712197)

PreventionGenetics, part of Exact Sciences
Classification: Pathogenic for NF1-related condition. Last evaluated: 2023-02-03. Review status: criteria provided, single submitter. Criteria: ACMG Guidelines, 2015. Collection method: clinical testing. Allele origin: germline.
Comment: The NF1 c.2674delA variant is predicted to result in a frameshift and premature protein termination (p.Ser892Alafs*10). This variant has been reported in an individual with neurofibromatosis type 1 (Fahsold et al. 2000. PubMed ID: 10712197). To our knowledge, this variant has not been reported in a large population database, indicating this variant is rare. This variant is interpreted as pathogenic in ClinVar. Frameshift variants in NF1 are expected to be pathogenic. This variant is interpreted as pathogenic.

Genome-Nilou Lab
Classification: Pathogenic for Neurofibromatosis, type 1. Last evaluated: 2022-03-15. Review status: criteria provided, single submitter. Criteria: ACMG Guidelines, 2015. Collection method: clinical testing. Allele origin: germline. Affected: no.

ARUP Laboratories, Molecular Genetics and Genomics, ARUP Laboratories
Classification: Pathogenic. Last evaluated: 2018-10-05. Review status: criteria provided, single submitter. Criteria: ARUP Molecular Germline Variant Investigation Process. Collection method: clinical testing. Allele origin: germline.
Comment: The NF1 c.2674delA; p.Ser892fs variant is reported in the literature in multiple individuals affected with neurofibromatosis type 1 (Fahsold 2000, Origone 2002, Origone 2003, Valero 2011). This variant is reported as pathogenic by multiple laboratories in ClinVar (Variation ID: 481923), and is absent from general population databases (1000 Genomes Project, Exome Variant Server, and Genome Aggregation Database), indicating it is not a common polymorphism. This variant causes a frameshift by deleting a single nucleotide, so it is predicted to result in a truncated protein or mRNA subject to nonsense-mediated decay. Based on available information, the p.Ser892fs variant is considered to be pathogenic. References: Fahsold R et al. Minor lesion mutational spectrum of the entire NF1 gene does not explain its high mutability but points to a functional domain upstream of the GAP-related domain. Am J Hum Genet. 2000 Mar;66(3):790-818. Origone P et al. Ten novel mutations in the human neurofibromatosis type 1 (NF1) gene in Italian patients. Hum Mutat. 2002 Jul;20(1):74-5. Origone P et al. Neurofibromatosis type 1 (NF1): Identification of eight unreported mutations in NF1 gene in Italian patients (corrected). Hum Mutat. 2003 Aug;22(2):179-80. Valero MC et al. A highly sensitive genetic protocol to detect NF1 mutations. J Mol Diagn. 2011 Mar;13(2):113-22.

Juno Genomics, Hangzhou Juno Genomics, Inc
Classification: Pathogenic for Neurofibromatosis, type 1. Review status: criteria provided, single submitter. Criteria: ACMG Guidelines, 2015. Collection method: clinical testing. Allele origin: germline. Affected: yes.
Comment: Absent from controls (or at extremely low frequency if recessive) in Genome Aggregation Database, Exome Sequencing Project, 1000 Genomes Project, or Exome Aggregation Consortium.;Null variant in a gene where loss of function (LOF) is a known mechanism of disease.;The prevalence of the variant in affected individuals is significantly increased compared to the prevalence in controls.;Patient's phenotype or family history is highly specific for a disease with a single genetic etiology.;Assumed de novo, but without confirmation of paternity and maternity.

Clinical Molecular Genetics Laboratory, Johns Hopkins All Children's Hospital
Classification: Pathogenic for Neurofibromatosis, type 1. Last evaluated: 2014-04-22. Review status: no assertion criteria provided. Collection method: clinical testing. Allele origin: germline. Affected: yes. Not counted in ClinVar's aggregate classification.

Literature cited by the submitters: PubMed 10712197 (cited by Labcorp Genetics (formerly Invitae), Labcorp and Ambry Genetics); PubMed 23913538 (cited by Labcorp Genetics (formerly Invitae), Labcorp); PubMed 12112660 (cited by Labcorp Genetics (formerly Invitae), Labcorp and Ambry Genetics); PubMed 21354044 (cited by Labcorp Genetics (formerly Invitae), Labcorp and Ambry Genetics); PubMed 12872266 (cited by Ambry Genetics).